The following is an entry in ClinVar:

NM_000492.4(CFTR):c.962C>G (p.Ser321Cys)

Gene: CFTR (CF transmembrane conductance regulator; plus strand). Cytogenetic location: 7q31.2.
Variant type: single nucleotide variant.
Coding change: c.962C>G on transcript NM_000492.4 (MANE Select); coding-DNA position 962, C replaced by G.
Protein change: p.Ser321Cys; replaces serine 321 with cysteine.
Molecular consequence: missense variant.
Genome position (GRCh38, 1-based): chr7:117,540,192, C>G. VCF-style: chr7-117540192-C-G. GRCh37 (hg19) VCF-style: chr7-117180246-C-G.
Other names: short protein forms S321C.
Identifiers: ClinVar variation 1767607 (VCV001767607.3), dbSNP rs1562892212, ClinGen allele CA368978510.

ClinVar aggregate classification (germline): Uncertain significance (1 of 4 stars; one submission).

Conditions:
Cystic fibrosis (CF). Also called: MUCOVISCIDOSIS. Identifiers: Orphanet 586, MedGen C0010674, MONDO:0009061, OMIM 219700. Disease mechanism: loss of function.

Submission:

Ambry Genetics
Classification: Uncertain significance for Cystic fibrosis. Last evaluated: 2023-02-05. Review status: criteria provided, single submitter. Criteria: Ambry Variant Classification Scheme 2023. Collection method: clinical testing. Allele origin: germline.
Comment: The p.S321C variant (also known as c.962C>G), located in coding exon 8 of the CFTR gene, results from a C to G substitution at nucleotide position 962. The serine at codon 321 is replaced by cysteine, an amino acid with dissimilar properties. This amino acid position is not well conserved in available vertebrate species. In addition, the in silico prediction for this alteration is inconclusive. Since supporting evidence is limited at this time, the clinical significance of this alteration remains unclear.